The following is an entry in ClinVar:

ClinVar aggregate classification (germline): Likely pathogenic. Review status: criteria provided, single submitter (1 of 4 stars). 2 submissions from 2 submitters: Likely pathogenic (1). 1 of the submissions does not count toward it. Last evaluated 2019-02-19.

Conditions:
Snijders Blok-Campeau syndrome. Also called: INTELLECTUAL DEVELOPMENTAL DISORDER WITH MACROCEPHALY, SPEECH DELAY, AND DYSMORPHIC FACIES. Identifiers: Orphanet 599082, MedGen C4748701, MONDO:0032600, OMIM 618205.
Intellectual disability. Also called: Intellectual functioning disability; intellectual disabilities; Intellectual developmental disorder. Identifiers: MedGen C3714756, MeSH D008607, MONDO:0001071, HP:0001249.

Submissions (2):

SIB Swiss Institute of Bioinformatics
Classification: Likely pathogenic for Snijders Blok-Campeau syndrome. Last evaluated: 2019-02-19. Review status: criteria provided, single submitter. Criteria: ACMG Guidelines, 2015. Collection method: curation. Allele origin: unknown.
Comment: This variant is interpreted as a Likely pathogenic for Snijders Blok-Campeau syndrome, autosomal dominant The following ACMG Tag(s) were applied: PM2 : Absent from controls (or at extremely low frequency if recessive) in Exome Sequencing Project, 1000 Genomes Project, or Exome Aggregation Consortium. PP3 : Multiple lines of computational evidence support a deleterious effect on the gene or gene product. PM6 : Assumed de novo, but without confirmation of paternity and maternity (PMID:30397230). PM1-supporting : PM1 downgraded in strength to Supporting. PP2 : Missense variant in a gene that has a low rate of benign missense variation and in which missense variants are a common mechanism of disease.

CHU Sainte-Justine Research Center, University of Montreal
Classification: Likely pathogenic for Intellectual disability. Last evaluated: 2018-05-03. Review status: no assertion criteria provided. Collection method: research. Allele origin: germline. Affected: yes. Not counted in ClinVar's aggregate classification.

Literature cited by the submitters: PubMed 30397230 (cited by SIB Swiss Institute of Bioinformatics).

NM_001005273.3(CHD3):c.2761G>A (p.Glu921Lys)

Gene: CHD3 (chromodomain helicase DNA binding protein 3; plus strand). Cytogenetic location: 17p13.1.
Variant type: single nucleotide variant.
Coding change: c.2761G>A on transcript NM_001005273.3 (MANE Select); coding-DNA position 2761, G replaced by A.
Protein change: p.Glu921Lys; replaces glutamic acid 921 with lysine.
Molecular consequence: missense variant.
Genome position (GRCh38, 1-based): chr17:7,900,368, G>A. VCF-style: chr17-7900368-G-A. GRCh37 (hg19) VCF-style: chr17-7803686-G-A.
Other names: c.2938G>A, p.Glu980Lys (NM_001005271.3); c.2761G>A, p.Glu921Lys (NM_005852.4); short protein forms E921K, E980K.
Identifiers: ClinVar variation 549731 (VCV000549731.2), dbSNP rs1567855704, ClinGen allele CA397940268.